The following is an entry in ClinVar:

NM_001347721.2(DYRK1A):c.2083G>A (p.Val695Ile)

Gene: DYRK1A (dual specificity tyrosine phosphorylation regulated kinase 1A; plus strand). Cytogenetic location: 21q22.13.
Variant type: single nucleotide variant.
Coding change: c.2083G>A on transcript NM_001347721.2 (MANE Select); coding-DNA position 2083, G replaced by A.
Protein change: p.Val695Ile; replaces valine 695 with isoleucine.
Molecular consequence: missense variant. On other transcripts: 3 prime UTR variant (2).
Genome position (GRCh38, 1-based): chr21:37,512,349, G>A. VCF-style: chr21-37512349-G-A. GRCh37 (hg19) VCF-style: chr21-38884652-G-A.
Other names: c.2083G>A, p.Val695Ile (NM_001347722.2, NM_130436.2); c.1996G>A, p.Val666Ile (NM_001347723.2); c.2110G>A, p.Val704Ile (NM_001396.5); c.*486G>A (NM_101395.2); c.*395G>A (NM_130438.2); short protein forms V666I, V695I, V704I.
Identifiers: ClinVar variation 975537 (VCV000975537.38), dbSNP rs200597760, ClinGen allele CA10024159.
Genomic context (GRCh38, chr21:37,512,349, plus strand): 5'-CCAGTGGCTGCTAATACCTTGGACTTTGGACAGAATGGAGCTATGGACGTTAATTTGACC[G>A]TCTACTCCAATCCCCGCCAAGAGACTGGCATAGCTGGACATCCAACATACCAATTTTCTG-3'
Protein context (NP_001334650.1, residues 685-705): QNGAMDVNLT[Val695Ile]YSNPRQETGI

ClinVar aggregate classification (germline): Likely benign. Review status: criteria provided, multiple submitters, no conflicts (2 of 4 stars). 5 submissions from 5 submitters: Likely benign (4). 1 of the submissions does not count toward it. Last evaluated 2025-11-17.

Conditions:
Intellectual disability. Also called: Intellectual developmental disorder; intellectual disabilities; Intellectual functioning disability. Identifiers: MedGen C3714756, MeSH D008607, MONDO:0001071, HP:0001249.
DYRK1A-related intellectual disability syndrome (MRD7). Also called: DYRK1A Syndrome; Intellectual developmental disorder, autosomal dominant 7. Identifiers: Orphanet 464306, MedGen C5568143, MONDO:0013578, OMIM 614104.

Allele frequency attached by ClinVar (database versions not stated): gnomAD 0.00002 and 0.00004; gnomAD exomes 0.00006 and 0.00009; TOPMed 0.00006; ExAC 0.00013; ESP Exome Variant Server 0.00015; 1000 Genomes Project 30x 0.00016; 1000 Genomes Project 0.00020.
gnomAD v4.1: 95 of 1,614,164 alleles (0.0059%); highest among the groups gnomAD compares: Admixed American, 0.015%; no homozygotes.

Submissions (5):

Labcorp Genetics (formerly Invitae), Labcorp
Classification: Likely benign for DYRK1A-related intellectual disability syndrome. Last evaluated: 2025-11-17. Review status: criteria provided, single submitter. Criteria: Invitae Variant Classification Sherloc (09022015). Collection method: clinical testing. Allele origin: germline.

CeGaT Center for Human Genetics Tuebingen
Classification: Likely benign. Last evaluated: 2025-04-01. Review status: criteria provided, single submitter. Criteria: CeGaT Center For Human Genetics Tuebingen Variant Classification Criteria Version 2. Collection method: clinical testing. Allele origin: germline. Affected: yes. Observed: 2 variant alleles.
Comment: DYRK1A: BP4

Laboratory of Genetics, Children's Clinical University Hospital Latvia
Classification: Likely benign. Last evaluated: 2025-02-16. Review status: criteria provided, single submitter. Criteria: ACMG Guidelines, 2015. Collection method: clinical testing. Allele origin: germline. Affected: yes.

GeneDx
Classification: Likely benign. Last evaluated: 2021-04-03. Review status: criteria provided, single submitter. Criteria: GeneDx Variant Classification Process June 2021. Collection method: clinical testing. Allele origin: germline. Affected: yes.

Centre de Biologie Pathologie Génétique, Centre Hospitalier Universitaire de Lille
Classification: Likely benign for Intellectual disability. Last evaluated: 2019-01-01. Review status: no assertion criteria provided. Collection method: clinical testing. Allele origin: inherited. Affected: yes. Not counted in ClinVar's aggregate classification.